The following is an entry in ClinVar:

NM_006206.6(PDGFRA):c.357C>G (p.Ile119Met)

Gene: PDGFRA (platelet derived growth factor receptor alpha; plus strand). Cytogenetic location: 4q12.
Variant type: single nucleotide variant.
Coding change: c.357C>G on transcript NM_006206.6 (MANE Select); coding-DNA position 357, C replaced by G.
Protein change: p.Ile119Met; replaces isoleucine 119 with methionine.
Molecular consequence: missense variant.
Genome position (GRCh38, 1-based): chr4:54,261,402, C>G. VCF-style: chr4-54261402-C-G. GRCh37 (hg19) VCF-style: chr4-55127569-C-G.
Other names: c.357C>G, p.Ile119Met (NM_001347827.2, NM_001347829.2); c.432C>G, p.Ile144Met (NM_001347828.2); c.396C>G, p.Ile132Met (NM_001347830.2); short protein forms I119M, I132M, I144M.
Identifiers: ClinVar variation 649930 (VCV000649930.10), dbSNP rs1577705874, ClinGen allele CA356889093.

ClinVar aggregate classification (germline): Uncertain significance. Review status: criteria provided, multiple submitters, no conflicts (2 of 4 stars). 2 submissions from 2 submitters: Uncertain significance (2). Last evaluated 2025-12-19.

Conditions:
Gastrointestinal stromal tumor. Also called: Gastrointestinal stromal tumor, somatic; Gastrointestinal stroma tumor. Identifiers: Orphanet 44890, MedGen C0238198, MeSH D046152, MONDO:0011719, OMIM 606764, HP:0100723.
Hereditary cancer-predisposing syndrome. Also called: Neoplastic Syndromes, Hereditary; Tumor predisposition; Hereditary Cancer Syndrome; Hereditary neoplastic syndrome. Identifiers: Orphanet 140162, MedGen C0027672, MeSH D009386, MONDO:0015356.

Allele frequency attached by ClinVar (database versions not stated): gnomAD exomes below 0.00001.
gnomAD v4.1: 2 of 1,612,916 alleles (0.00012%); highest among the groups gnomAD compares: Non-Finnish European, 0.00017%; no homozygotes.

Submissions (2):

Ambry Genetics
Classification: Uncertain significance for Hereditary cancer-predisposing syndrome. Last evaluated: 2025-12-19. Review status: criteria provided, single submitter. Criteria: Ambry Variant Classification Scheme 2023. Collection method: clinical testing. Allele origin: germline.
Comment: The p.I119M variant (also known as c.357C>G), located in coding exon 2 of the PDGFRA gene, results from a C to G substitution at nucleotide position 357. The isoleucine at codon 119 is replaced by methionine, an amino acid with highly similar properties. This amino acid position is conserved. In addition, this alteration is predicted to be tolerated by in silico analysis. Based on the available evidence, the clinical significance of this variant remains unclear.

Labcorp Genetics (formerly Invitae), Labcorp
Classification: Uncertain significance for Gastrointestinal stromal tumor. Last evaluated: 2023-12-24. Review status: criteria provided, single submitter. Criteria: Invitae Variant Classification Sherloc (09022015). Collection method: clinical testing. Allele origin: germline.
Comment: This sequence change replaces isoleucine, which is neutral and non-polar, with methionine, which is neutral and non-polar, at codon 119 of the PDGFRA protein (p.Ile119Met). This variant is not present in population databases (gnomAD no frequency). This variant has not been reported in the literature in individuals affected with PDGFRA-related conditions. ClinVar contains an entry for this variant (Variation ID: 649930). Advanced modeling of protein sequence and biophysical properties (such as structural, functional, and spatial information, amino acid conservation, physicochemical variation, residue mobility, and thermodynamic stability) performed at Invitae indicates that this missense variant is not expected to disrupt PDGFRA protein function with a negative predictive value of 80%. In summary, the available evidence is currently insufficient to determine the role of this variant in disease. Therefore, it has been classified as a Variant of Uncertain Significance.